The following is an entry in ClinVar:

NM_014141.6(CNTNAP2):c.760A>G (p.Asn254Asp)

Gene: CNTNAP2 (contactin associated protein 2; plus strand). Cytogenetic location: 7q35.
Variant type: single nucleotide variant.
Coding change: c.760A>G on transcript NM_014141.6 (MANE Select); coding-DNA position 760, A replaced by G.
Protein change: p.Asn254Asp; replaces asparagine 254 with aspartic acid.
Molecular consequence: missense variant.
Genome position (GRCh38, 1-based): chr7:147,120,984, A>G. VCF-style: chr7-147120984-A-G. GRCh37 (hg19) VCF-style: chr7-146818076-A-G.
Other names: short protein forms N254D.
Identifiers: ClinVar variation 424042 (VCV000424042.2), dbSNP rs1064796763, ClinGen allele CA16618374.

ClinVar aggregate classification (germline): Uncertain significance (1 of 4 stars; one submission).

Submission:

GeneDx
Classification: Uncertain significance. Last evaluated: 2017-03-16. Review status: criteria provided, single submitter. Criteria: GeneDx Variant Classification (06012015). Collection method: clinical testing. Allele origin: germline. Affected: yes.
Comment: A variant of uncertain significance has been identified in the CNTNAP2 gene. The N254D variant has not been published as a pathogenic variant, nor has it been reported as a benign variant to our knowledge. The N254D variant is not observed in large population cohorts (Lek et al., 2016; 1000 Genomes Consortium et al., 2015; Exome Variant Server). The N254D variant is a semi-conservative amino acid substitution, which may impact secondary protein structure as these residues differ in some properties. This substitution occurs at a position that is conserved across species. However, missense variants in nearby residues have not been reported in the Human Gene Mutation Database in association with CNTNAP-related disorders (Stenson et al., 2014). In silico analysis is inconsistent in its predictions as to whether or not the variant is damaging to the protein structure/function.Therefore, based on the currently available information, it is unclear whether this variant is a pathogenic variant or a rare benign variant.